The following is an entry in ClinVar:

NM_014918.5(CHSY1):c.1972A>G (p.Ile658Val)

Gene: CHSY1 (chondroitin sulfate synthase 1; minus strand). Cytogenetic location: 15q26.3.
Variant type: single nucleotide variant.
Coding change: c.1972A>G on transcript NM_014918.5 (MANE Select); coding-DNA position 1972, A replaced by G.
Protein change: p.Ile658Val; replaces isoleucine 658 with valine.
Molecular consequence: missense variant.
Genome position (GRCh38, 1-based): chr15:101,177,825, T>C on the plus strand (A>G on the coding strand, the complement: CHSY1 is on the minus strand). VCF-style: chr15-101177825-T-C. GRCh37 (hg19) VCF-style: chr15-101718030-T-C.
Other names: c.1972A>G (NM_014918.4); short protein forms I658V.
Identifiers: ClinVar variation 1471625 (VCV001471625.8), dbSNP rs570222707, ClinGen allele CA7762428.

ClinVar aggregate classification (germline): Uncertain significance. Review status: criteria provided, multiple submitters, no conflicts (2 of 4 stars). 2 submissions from 2 submitters: Uncertain significance (2). Last evaluated 2024-02-05.

Conditions:
Inborn genetic diseases. Identifiers: MedGen C0950123, MeSH D030342.
Temtamy preaxial brachydactyly syndrome (TPBS). Identifiers: Orphanet 363417, MedGen C1854466, MONDO:0011533, OMIM 605282.

Allele frequency attached by ClinVar (database versions not stated): ExAC 0.00002; gnomAD 0.00002 and 0.00003; gnomAD exomes 0.00002; TOPMed 0.00003; 1000 Genomes Project 0.00020; 1000 Genomes Project 30x 0.00031.
gnomAD v4.1: 32 of 1,614,204 alleles (0.002%); highest among the groups gnomAD compares: South Asian, 0.014%; no homozygotes.

Submissions (2):

Ambry Genetics
Classification: Uncertain significance for Inborn genetic diseases. Last evaluated: 2024-02-05. Review status: criteria provided, single submitter. Criteria: Ambry Variant Classification Scheme 2023. Collection method: clinical testing. Allele origin: germline.

Labcorp Genetics (formerly Invitae), Labcorp
Classification: Uncertain significance for Temtamy preaxial brachydactyly syndrome. Last evaluated: 2022-08-31. Review status: criteria provided, single submitter. Criteria: Invitae Variant Classification Sherloc (09022015). Collection method: clinical testing. Allele origin: germline.
Comment: This sequence change replaces isoleucine, which is neutral and non-polar, with valine, which is neutral and non-polar, at codon 658 of the CHSY1 protein (p.Ile658Val). Algorithms developed to predict the effect of sequence changes on RNA splicing suggest that this variant may create or strengthen a splice site. Algorithms developed to predict the effect of missense changes on protein structure and function are either unavailable or do not agree on the potential impact of this missense change (SIFT: "Deleterious"; PolyPhen-2: "Benign"; Align-GVGD: "Class C0"). ClinVar contains an entry for this variant (Variation ID: 1471625). This variant has not been reported in the literature in individuals affected with CHSY1-related conditions. This variant is present in population databases (rs570222707, gnomAD 0.02%). In summary, the available evidence is currently insufficient to determine the role of this variant in disease. Therefore, it has been classified as a Variant of Uncertain Significance.